The following is an entry in ClinVar:

NM_000273.3(GPR143):c.5C>T (p.Ala2Val)

Gene: GPR143 (G protein-coupled receptor 143; minus strand). Cytogenetic location: Xp22.2.
Variant type: single nucleotide variant.
Coding change: c.5C>T on transcript NM_000273.3 (MANE Select); coding-DNA position 5, C replaced by T.
Protein change: p.Ala2Val; replaces alanine 2 with valine.
Molecular consequence: missense variant.
Genome position (GRCh38, 1-based): chrX:9,765,813, G>A on the plus strand (C>T on the coding strand, the complement: GPR143 is on the minus strand). VCF-style: chrX-9765813-G-A. GRCh37 (hg19) VCF-style: chrX-9733853-G-A.
Other names: c.5C>T, p.Ala2Val (NM_001440781.1); short protein forms A2V.
Identifiers: ClinVar variation 4993884 (VCV004993884.1).

ClinVar aggregate classification (germline): Uncertain significance (1 of 4 stars; one submission).

Conditions:
GPR143-related disorder. Also called: GPR143-related condition.

gnomAD v4.1: 1 of 1,108,954 alleles (0.00009%); highest among the groups gnomAD compares: Non-Finnish European, 0.00012%; no homozygotes.

Submission:

PreventionGenetics, part of Exact Sciences
Classification: Uncertain significance for GPR143-related condition. Last evaluated: 2026-04-07. Review status: criteria provided, single submitter. Criteria: ACMG Guidelines, 2015. Collection method: clinical testing. Allele origin: germline.
Comment: The GPR143 c.5C>T variant is predicted to result in the amino acid substitution p.Ala2Val. To our knowledge, this variant has not been reported in the literature or in a large population database (gnomAD), indicating this variant is rare. At this time, the clinical significance of this variant is uncertain due to the absence of conclusive functional and genetic evidence.